The following is an entry in ClinVar:

ClinVar aggregate classification (germline): Uncertain significance (1 of 4 stars; one submission).

Conditions:
Inborn genetic diseases. Identifiers: MedGen C0950123, MeSH D030342.

gnomAD v4.1: 10 of 1,613,968 alleles (0.00062%); highest among the groups gnomAD compares: Non-Finnish European, 0.00085%; no homozygotes.

Submission:

Ambry Genetics
Classification: Uncertain significance for Inborn genetic diseases. Last evaluated: 2024-12-04. Review status: criteria provided, single submitter. Criteria: Ambry Variant Classification Scheme 2023. Collection method: clinical testing. Allele origin: germline.
Comment: The p.T1474R variant (also known as c.4421C>G), located in coding exon 1 of the SAMD9L gene, results from a C to G substitution at nucleotide position 4421. The threonine at codon 1474 is replaced by arginine, an amino acid with similar properties. This amino acid position is conserved. In addition, this alteration is predicted to be tolerated by in silico analysis. Based on the available evidence, the clinical significance of this variant remains unclear.

NM_152703.5(SAMD9L):c.4421C>G (p.Thr1474Arg)

Gene: SAMD9L (sterile alpha motif domain containing 9 like; minus strand). Cytogenetic location: 7q21.2.
Variant type: single nucleotide variant.
Coding change: c.4421C>G on transcript NM_152703.5 (MANE Select); coding-DNA position 4421, C replaced by G.
Protein change: p.Thr1474Arg; replaces threonine 1474 with arginine.
Molecular consequence: missense variant.
Genome position (GRCh38, 1-based): chr7:93,131,551, G>C on the plus strand (C>G on the coding strand, the complement: SAMD9L is on the minus strand). VCF-style: chr7-93131551-G-C. GRCh37 (hg19) VCF-style: chr7-92760864-G-C.
Other names: c.4421C>G, p.Thr1474Arg (NM_001303496.3, NM_001303497.3, NM_001303498.3 and 5 more transcripts); short protein forms T1474R.
Identifiers: ClinVar variation 3437217 (VCV003437217.1).